The following is an entry in ClinVar:

ClinVar aggregate classification (germline): Benign. Review status: criteria provided, single submitter (1 of 4 stars). 2 submissions from 2 submitters: Benign (1). 1 of the submissions does not count toward it. Last evaluated 2018-01-13.

Conditions:
Holoprosencephaly 11 (HPE11). Identifiers: Orphanet 2162, MedGen C3280215, MONDO:0013642, OMIM 614226.
CDON-related disorder. Also called: CDON-related condition.

Allele frequency attached by ClinVar (database versions not stated): ExAC 0.00040; gnomAD below 0.00001 and 0.00007; TOPMed 0.00001; gnomAD exomes 0.00015 and 0.00032; 1000 Genomes Project 30x 0.00016; 1000 Genomes Project 0.00020.
gnomAD v4.1: 239 of 1,614,130 alleles (0.015%); highest among the groups gnomAD compares: South Asian, 0.25%; 3 homozygotes.

Submissions (2):

Illumina Laboratory Services, Illumina
Classification: Benign for Holoprosencephaly 11. Last evaluated: 2018-01-13. Review status: criteria provided, single submitter. Criteria: ICSL Variant Classification Criteria 13 December 2019. Collection method: clinical testing. Allele origin: germline.
Comment: This variant was observed in the ICSL laboratory as part of a predisposition screen in an ostensibly healthy population. It had not been previously curated by ICSL or reported in the Human Gene Mutation Database (HGMD: prior to June 1st, 2018), and was therefore a candidate for classification through an automated scoring system. Utilizing variant allele frequency, disease prevalence and penetrance estimates, and inheritance mode, an automated score was calculated to assess if this variant is too frequent to cause the disease. Based on the score and internal cut-off values, a variant classified as benign is not then subjected to further curation. The score for this variant resulted in a classification of benign for this disease.

PreventionGenetics, part of Exact Sciences
Classification: Likely benign for CDON-related condition. Last evaluated: 2019-05-28. Review status: no assertion criteria provided. Collection method: clinical testing. Allele origin: germline. Not counted in ClinVar's aggregate classification.
Comment: This variant is classified as likely benign based on ACMG/AMP sequence variant interpretation guidelines (Richards et al. 2015 PMID: 25741868, with internal and published modifications).

NM_001378964.1(CDON):c.244C>T (p.Leu82=)

Gene: CDON (cell adhesion associated, oncogene regulated; minus strand). Cytogenetic location: 11q24.2.
Variant type: single nucleotide variant.
Coding change: c.244C>T on transcript NM_001378964.1 (MANE Select); coding-DNA position 244, C replaced by T.
Protein change: p.Leu82=; no amino-acid change (leucine 82 retained).
Molecular consequence: synonymous variant.
Genome position (GRCh38, 1-based): chr11:126,021,353, G>A on the plus strand (C>T on the coding strand, the complement: CDON is on the minus strand). VCF-style: chr11-126021353-G-A. GRCh37 (hg19) VCF-style: chr11-125891248-G-A.
Other names: c.244C>T, p.Leu82= (NM_001243597.3, NM_016952.6).
Identifiers: ClinVar variation 878005 (VCV000878005.6), dbSNP rs552008016, ClinGen allele CA6352386.